The following is an entry in ClinVar:

ClinVar aggregate classification (germline): Uncertain significance (1 of 4 stars; one submission).

Conditions:
Cardiovascular phenotype. Identifiers: MedGen CN230736.

Allele frequency attached by ClinVar (database versions not stated): gnomAD exomes 0.00002; gnomAD 0.00003; TOPMed 0.00003; ExAC 0.00005; ESP Exome Variant Server 0.00008.
gnomAD v4.1: 39 of 1,613,996 alleles (0.0024%); highest among the groups gnomAD compares: East Asian, 0.025%; no homozygotes.

Submission:

Ambry Genetics
Classification: Uncertain significance for Cardiovascular phenotype. Last evaluated: 2024-08-27. Review status: criteria provided, single submitter. Criteria: Ambry Variant Classification Scheme 2023. Collection method: clinical testing. Allele origin: germline.
Comment: The p.R355C variant (also known as c.1063C>T), located in coding exon 8 of the TBX5 gene, results from a C to T substitution at nucleotide position 1063. The arginine at codon 355 is replaced by cysteine, an amino acid with highly dissimilar properties. This variant was reported in an early onset atrial fibrillation cohort, and overexpression studies suggested possible functional impact (Ma JF et al. Cardiovasc Res, 2016 Mar;109:442-50). This amino acid position is highly conserved in available vertebrate species. In addition, the in silico prediction for this alteration is inconclusive. Since supporting evidence is limited at this time, the clinical significance of this alteration remains unclear.

Literature cited by the submitters: PubMed 26762269.

NM_181486.4(TBX5):c.1063C>T (p.Arg355Cys)

Gene: TBX5 (T-box transcription factor 5; minus strand). Cytogenetic location: 12q24.21.
Variant type: single nucleotide variant.
Coding change: c.1063C>T on transcript NM_181486.4 (MANE Select); coding-DNA position 1063, C replaced by T.
Protein change: p.Arg355Cys; replaces arginine 355 with cysteine.
Molecular consequence: missense variant.
Genome position (GRCh38, 1-based): chr12:114,356,026, G>A on the plus strand (C>T on the coding strand, the complement: TBX5 is on the minus strand). VCF-style: chr12-114356026-G-A. GRCh37 (hg19) VCF-style: chr12-114793831-G-A.
Other names: c.1063C>T, p.Arg355Cys (NM_000192.3); c.913C>T, p.Arg305Cys (NM_080717.4); short protein forms R305C, R355C.
Identifiers: ClinVar variation 1780992 (VCV001780992.3), dbSNP rs372827955, ClinGen allele CA6809414.
Genomic context (GRCh38, chr12:114,356,026, plus strand): 5'-GCTGTGCCGACTCTGTCCTGTAGGAGGCACCCAGGCCCTGCTGCTGTGGATAGCTAGAGC[G>A]GTAGAAGGAATCTTCTTCACTGGGTGATGTCTCCATGTAGGGCTTCTTATAGGGATGGTC-3'
Protein context (NP_852259.1, residues 345-365): TSPSEEDSFY[Arg355Cys]SSYPQQQGLG